The following is an entry in ClinVar:

NM_025137.4(SPG11):c.5374G>A (p.Asp1792Asn)

Gene: SPG11 (SPG11 vesicle trafficking associated, spatacsin; minus strand). Cytogenetic location: 15q21.1.
Variant type: single nucleotide variant.
Coding change: c.5374G>A on transcript NM_025137.4 (MANE Select); coding-DNA position 5374, G replaced by A.
Protein change: p.Asp1792Asn; replaces aspartic acid 1792 with asparagine.
Molecular consequence: missense variant.
Genome position (GRCh38, 1-based): chr15:44,584,306, C>T on the plus strand (G>A on the coding strand, the complement: SPG11 is on the minus strand). VCF-style: chr15-44584306-C-T. GRCh37 (hg19) VCF-style: chr15-44876504-C-T.
Other names: c.5374G>A, p.Asp1792Asn (NM_001160227.2); c.5230G>A, p.Asp1744Asn (NM_001411132.1); short protein forms D1792N, D1744N.
Identifiers: ClinVar variation 1747116 (VCV001747116.2), dbSNP rs763849178, ClinGen allele CA7534423.
Genomic context (GRCh38, chr15:44,584,306, plus strand): 5'-CAAGAGTGTGCTGGGTGATGCGGCACAGCCAGATCTGCTTCTCCAGCTCCTCCAGCTTAT[C>T]CAAGGGCACCACGTCCTCCTGGGCAAGCCAGTGCCCTGCCAAGGTGAGCAGCAGATGGCG-3'
Protein context (NP_079413.3, residues 1782-1802): WLAQEDVVPL[Asp1792Asn]KLEELEKQIW

ClinVar aggregate classification (germline): Uncertain significance (1 of 4 stars; one submission).

Conditions:
Inborn genetic diseases. Identifiers: MedGen C0950123, MeSH D030342.

Allele frequency attached by ClinVar (database versions not stated): ExAC 0.00001.
gnomAD v4.1: 1 of 1,612,108 alleles (0.000062%); highest among the groups gnomAD compares: Non-Finnish European, 0.000085%; no homozygotes.

Submission:

Ambry Genetics
Classification: Uncertain significance for Inborn genetic diseases. Last evaluated: 2021-09-24. Review status: criteria provided, single submitter. Criteria: Ambry Variant Classification Scheme 2023. Collection method: clinical testing. Allele origin: germline.
Comment: The p.D1792N variant (also known as c.5374G>A), located in coding exon 30 of the SPG11 gene, results from a G to A substitution at nucleotide position 5374. The aspartic acid at codon 1792 is replaced by asparagine, an amino acid with highly similar properties. This amino acid position is conserved. In addition, this alteration is predicted to be tolerated by in silico analysis. Since supporting evidence is limited at this time, the clinical significance of this alteration remains unclear.